The following is an entry in ClinVar:

ClinVar aggregate classification (germline): Uncertain significance. Review status: criteria provided, multiple submitters, no conflicts (2 of 4 stars). 2 submissions from 2 submitters: Uncertain significance (2). Last evaluated 2024-12-17.

Conditions:
PHIP-related disorder. Also called: PHIP-related disorders; PHIP-related condition.
Inborn genetic diseases. Identifiers: MedGen C0950123, MeSH D030342.

Allele frequency attached by ClinVar (database versions not stated): gnomAD exomes below 0.00001.
gnomAD v4.1: 2 of 1,608,126 alleles (0.00012%); highest among the groups gnomAD compares: Non-Finnish European, 0.000085%; no homozygotes.

Submissions (2):

PreventionGenetics, part of Exact Sciences
Classification: Uncertain significance for PHIP-related condition. Last evaluated: 2024-12-17. Review status: criteria provided, single submitter. Criteria: ACMG Guidelines, 2015. Collection method: clinical testing. Allele origin: germline.
Comment: The PHIP c.808A>G variant is predicted to result in the amino acid substitution p.Ile270Val. To our knowledge, this variant has not been reported in the literature or in a large population database (gnomAD), indicating this variant is rare. At this time, the clinical significance of this variant is uncertain due to the absence of conclusive functional and genetic evidence.

Ambry Genetics
Classification: Uncertain significance for Inborn genetic diseases. Last evaluated: 2024-02-05. Review status: criteria provided, single submitter. Criteria: Ambry Variant Classification Scheme 2023. Collection method: clinical testing. Allele origin: germline.

NM_017934.7(PHIP):c.808A>G (p.Ile270Val)

Gene: PHIP (PHIP subunit of CUL4-Ring ligase complex; minus strand). Cytogenetic location: 6q14.1.
Variant type: single nucleotide variant.
Coding change: c.808A>G on transcript NM_017934.7 (MANE Select); coding-DNA position 808, A replaced by G.
Protein change: p.Ile270Val; replaces isoleucine 270 with valine.
Molecular consequence: missense variant.
Genome position (GRCh38, 1-based): chr6:79,025,957, T>C on the plus strand (A>G on the coding strand, the complement: PHIP is on the minus strand). VCF-style: chr6-79025957-T-C. GRCh37 (hg19) VCF-style: chr6-79735674-T-C.
Other names: c.808A>G (NM_017934.6); short protein forms I270V.
Identifiers: ClinVar variation 3212215 (VCV003212215.2), dbSNP rs2482188607, ClinGen allele CA364639474.